The following is an entry in ClinVar:

NM_001040716.2(PC):c.1843G>T (p.Ala615Ser)

Gene: PC (pyruvate carboxylase; minus strand). Cytogenetic location: 11q13.2.
Variant type: single nucleotide variant.
Coding change: c.1843G>T on transcript NM_001040716.2 (MANE Select); coding-DNA position 1843, G replaced by T.
Protein change: p.Ala615Ser; replaces alanine 615 with serine.
Molecular consequence: missense variant.
Genome position (GRCh38, 1-based): chr11:66,851,929, C>A on the plus strand (G>T on the coding strand, the complement: PC is on the minus strand). VCF-style: chr11-66851929-C-A. GRCh37 (hg19) VCF-style: chr11-66619400-C-A.
Other names: c.1843G>T, p.Ala615Ser (NM_000920.4, NM_022172.3); c.1843G>T (NM_000920.3); short protein forms A615S.
Identifiers: ClinVar variation 2041831 (VCV002041831.3), dbSNP rs773466708, ClinGen allele CA6131237.

ClinVar aggregate classification (germline): Uncertain significance. Review status: criteria provided, multiple submitters, no conflicts (2 of 4 stars). 3 submissions from 3 submitters: Uncertain significance (3). Last evaluated 2025-04-09.

Conditions:
Pyruvate carboxylase deficiency. Also called: LEIGH NECROTIZING ENCEPHALOPATHY DUE TO PYRUVATE CARBOXYLASE DEFICIENCY; LEIGH SYNDROME DUE TO PYRUVATE CARBOXYLASE DEFICIENCY; PC DEFICIENCY; Pyruvate Carboxylase Deficiency Disease; ATAXIA WITH LACTIC ACIDOSIS II. Identifiers: Orphanet 3008, MedGen C0034341, MONDO:0009949, OMIM 266150.
Inborn genetic diseases. Identifiers: MedGen C0950123, MeSH D030342.

gnomAD v4.1: 48 of 1,613,864 alleles (0.003%); highest among the groups gnomAD compares: Non-Finnish European, 0.004%; no homozygotes.

Submissions (3):

Ambry Genetics
Classification: Uncertain significance for Inborn genetic diseases. Last evaluated: 2025-04-09. Review status: criteria provided, single submitter. Criteria: Ambry Variant Classification Scheme 2023. Collection method: clinical testing. Allele origin: germline.

GeneDx
Classification: Uncertain significance. Last evaluated: 2023-03-01. Review status: criteria provided, single submitter. Criteria: GeneDx Variant Classification Process June 2021. Collection method: clinical testing. Allele origin: germline. Affected: yes.
Comment: Not observed at significant frequency in large population cohorts (gnomAD); In silico analysis supports that this missense variant does not alter protein structure/function; Has not been previously published as pathogenic or benign to our knowledge

Labcorp Genetics (formerly Invitae), Labcorp
Classification: Uncertain significance for Pyruvate carboxylase deficiency. Last evaluated: 2022-08-05. Review status: criteria provided, single submitter. Criteria: Invitae Variant Classification Sherloc (09022015). Collection method: clinical testing. Allele origin: germline.
Comment: This sequence change replaces alanine, which is neutral and non-polar, with serine, which is neutral and polar, at codon 615 of the PC protein (p.Ala615Ser). This variant is present in population databases (rs773466708, gnomAD 0.006%). This variant has not been reported in the literature in individuals affected with PC-related conditions. Algorithms developed to predict the effect of missense changes on protein structure and function output the following: SIFT: "Tolerated"; PolyPhen-2: "Possibly Damaging"; Align-GVGD: "Class C0". The serine amino acid residue is found in multiple mammalian species, which suggests that this missense change does not adversely affect protein function. In summary, the available evidence is currently insufficient to determine the role of this variant in disease. Therefore, it has been classified as a Variant of Uncertain Significance.